The following is an entry in ClinVar:

ClinVar aggregate classification (germline): Likely benign. Review status: criteria provided, multiple submitters, no conflicts (2 of 4 stars). 2 submissions from 2 submitters: Likely benign (2). Last evaluated 2025-10-02.

Allele frequency attached by ClinVar (database versions not stated): ExAC 0.00002; gnomAD 0.00005; TOPMed 0.00006.
gnomAD v4.1: 61 of 1,614,056 alleles (0.0038%); highest among the groups gnomAD compares: African/African-American, 0.0067%; no homozygotes.

Submissions (2):

Labcorp Genetics (formerly Invitae), Labcorp
Classification: Likely benign. Last evaluated: 2025-10-02. Review status: criteria provided, single submitter. Criteria: Invitae Variant Classification Sherloc (09022015). Collection method: clinical testing. Allele origin: germline.

CeGaT Center for Human Genetics Tuebingen
Classification: Likely benign. Last evaluated: 2024-11-01. Review status: criteria provided, single submitter. Criteria: CeGaT Center For Human Genetics Tuebingen Variant Classification Criteria Version 2. Collection method: clinical testing. Allele origin: germline. Affected: yes. Observed: 1 variant allele.
Comment: ARID1B: BP4, BP7

NM_001374828.1(ARID1B):c.1950C>T (p.Pro650=)

Gene: ARID1B (AT-rich interaction domain 1B; plus strand). Cytogenetic location: 6q25.3.
Variant type: single nucleotide variant.
Coding change: c.1950C>T on transcript NM_001374828.1 (MANE Select); coding-DNA position 1950, C replaced by T.
Protein change: p.Pro650=; no amino-acid change (proline 650 retained).
Molecular consequence: synonymous variant.
Genome position (GRCh38, 1-based): chr6:156,829,385, C>T. VCF-style: chr6-156829385-C-T. GRCh37 (hg19) VCF-style: chr6-157150519-C-T.
Other names: c.1701C>T, p.Pro567= (NM_001346813.1, NM_020732.3); c.1950C>T, p.Pro650= (NM_001371656.1, NM_001374820.1, NM_017519.3); c.1527C>T, p.Pro509= (NM_175863.2).
Identifiers: ClinVar variation 2048785 (VCV002048785.18), dbSNP rs759855548, ClinGen allele CA4066850.
Genomic context (GRCh38, chr6:156,829,385, plus strand): 5'-AGGTTCCTATGGCCCTCCAGGCCCACAGCGGTATCCAATTGGCATCCAGGGTCGGACTCC[C>T]GGGGCCATGGCCGGAATGCAGTACCCTCAGCAGCAGGTTTGTGCTGGTCCCCCGACCCGC-3'
Protein context (NP_001361757.1, residues 640-660): RYPIGIQGRT[Pro650=]GAMAGMQYPQ